The following is an entry in ClinVar:

NM_006231.4(POLE):c.2707-9G>A

Gene: POLE (DNA polymerase epsilon, catalytic subunit; minus strand). Cytogenetic location: 12q24.33.
Variant type: single nucleotide variant.
Coding change: c.2707-9G>A on transcript NM_006231.4 (MANE Select); 9 bases into the intron before coding-DNA position 2707, G replaced by A.
Molecular consequence: intron variant.
Genome position (GRCh38, 1-based): chr12:132,661,693, C>T on the plus strand (G>A on the coding strand, the complement: POLE is on the minus strand). VCF-style: chr12-132661693-C-T. GRCh37 (hg19) VCF-style: chr12-133238279-C-T.
Identifiers: ClinVar variation 383076 (VCV000383076.17), dbSNP rs1057521516, ClinGen allele CA16606532.

ClinVar aggregate classification (germline): Conflicting classifications of pathogenicity. Review status: criteria provided, conflicting classifications (1 of 4 stars). 6 submissions from 6 submitters: Uncertain significance (1); Likely benign (3). 2 of the submissions do not count toward it. Last evaluated 2025-12-14.

Conditions:
POLE-related disorder. Also called: POLE-related disorders; POLE-related condition.
Colorectal cancer, susceptibility to, 12 (CRCS12). Also called: COLORECTAL CANCER, SUSCEPTIBILITY TO, ON CHROMOSOME 12q24. Identifiers: Orphanet 220460, MedGen C3554460, MONDO:0014038, OMIM 615083.

Allele frequency attached by ClinVar (database versions not stated): gnomAD 0.00001; TOPMed 0.00001; gnomAD exomes 0.00002.
gnomAD v4.1: 24 of 1,613,530 alleles (0.0015%); highest among the groups gnomAD compares: Non-Finnish European, 0.0019%; no homozygotes.

Submissions (6):

Labcorp Genetics (formerly Invitae), Labcorp
Classification: Likely benign. Last evaluated: 2025-12-14. Review status: criteria provided, single submitter. Criteria: Invitae Variant Classification Sherloc (09022015). Collection method: clinical testing. Allele origin: germline.

Blueprint Genetics
Classification: Likely benign. Last evaluated: 2023-02-13. Review status: criteria provided, single submitter. Criteria: ACMG Guidelines, 2015. Collection method: clinical testing. Allele origin: germline.

GeneDx
Classification: Likely benign. Last evaluated: 2017-09-08. Review status: criteria provided, single submitter. Criteria: GeneDx Variant Classification (06012015). Collection method: clinical testing. Allele origin: germline. Affected: yes.
Comment: This variant is considered likely benign or benign based on one or more of the following criteria: it is a conservative change, it occurs at a poorly conserved position in the protein, it is predicted to be benign by multiple in silico algorithms, and/or has population frequency not consistent with disease.

Quest Diagnostics Nichols Institute San Juan Capistrano
Classification: Uncertain significance. Last evaluated: 2017-07-25. Review status: criteria provided, single submitter. Criteria: Quest Diagnostics criteria. Collection method: clinical testing. Allele origin: germline.

PreventionGenetics, part of Exact Sciences
Classification: Likely benign for POLE-related condition. Last evaluated: 2020-03-24. Review status: no assertion criteria provided. Collection method: clinical testing. Allele origin: germline. Not counted in ClinVar's aggregate classification.
Comment: This variant is classified as likely benign based on ACMG/AMP sequence variant interpretation guidelines (Richards et al. 2015 PMID: 25741868, with internal and published modifications).

Counsyl
Classification: Likely benign for Colorectal cancer, susceptibility to, 12. Last evaluated: 2017-11-27. Review status: no assertion criteria provided. Collection method: clinical testing. Allele origin: unknown. Not counted in ClinVar's aggregate classification.